The following is an entry in ClinVar:

ClinVar aggregate classification (germline): Likely pathogenic (1 of 4 stars; one submission).

Conditions:
Telangiectasia, hereditary hemorrhagic, type 1 (HHT1). Also called: Osler Weber Rendu syndrome type 1; ENG-Related Hereditary Hemorrhagic Telangiectasia. Identifiers: Orphanet 774, MedGen C4551861, MONDO:0008535, OMIM 187300. Disease mechanism: loss of function.

Submission:

Impact Genetics, Dynacare/LabCorp
Classification: Likely pathogenic for Telangiectasia, hereditary hemorrhagic, type 1. Last evaluated: 2024-01-31. Review status: criteria provided, single submitter. Criteria: DeMille et al. (Hum Mutat. 2024). Collection method: clinical testing. Allele origin: germline.
Comment: PVS1, PM2_supporting

NM_001114753.3(ENG):c.404_410dup (p.Glu137fs)

Gene: ENG (endoglin; minus strand). Cytogenetic location: 9q34.11.
Variant type: Duplication.
Coding change: c.404_410dup on transcript NM_001114753.3 (MANE Select); coding-DNA positions 404 to 410, 7 bases duplicated (CCACAGA; older notation c.404_410dupCCACAGA).
Protein change: p.Glu137fs; shifts the reading frame from glutamic acid 137.
Molecular consequence: frameshift variant. On other transcripts: 5 prime UTR variant (1).
Genome position (GRCh38, 1-based): chr9:127,826,623-127,826,629, TCTGTGG duplicated on the plus strand (CCACAGA on the coding strand, the reverse complement: ENG is on the minus strand); duplicating any 7 consecutive bases within chr9:127,826,623-127,826,630 gives the same sequence; the c. name uses the placement nearest the transcript's 3' end. VCF-style (leftmost placement, unchanged base first): chr9-127826622-C-CTCTGTGG. GRCh37 (hg19) VCF-style: chr9-130588901-C-CTCTGTGG.
Other names: c.404_410dup, p.Glu137fs (NM_000118.4, NM_001406715.1); c.-143_-137dup (NM_001278138.2); short protein forms E137fs.
Identifiers: ClinVar variation 4082245 (VCV004082245.1).